The following is an entry in ClinVar:

ClinVar aggregate classification (germline): Likely benign (1 of 4 stars; one submission).

Allele frequency attached by ClinVar (database versions not stated): ESP Exome Variant Server 0.00008; 1000 Genomes Project 0.00020; TOPMed 0.00036; 1000 Genomes Project 30x 0.00047; gnomAD 0.00091; ExAC 0.00106.
gnomAD v4.1: 1,194 of 1,613,786 alleles (0.074%); highest among the groups gnomAD compares: Non-Finnish European, 0.054%; 2 homozygotes.

Submission:

CeGaT Center for Human Genetics Tuebingen
Classification: Likely benign. Last evaluated: 2023-03-01. Review status: criteria provided, single submitter. Criteria: CeGaT Center For Human Genetics Tuebingen Variant Classification Criteria Version 2. Collection method: clinical testing. Allele origin: germline. Affected: yes. Observed: 1 variant allele.
Comment: UGGT2: BP4, BP7

NM_020121.4(UGGT2):c.4314C>T (p.Val1438=)

Gene: UGGT2 (UDP-glucose glycoprotein glucosyltransferase 2; minus strand). Cytogenetic location: 13q32.1.
Variant type: single nucleotide variant.
Coding change: c.4314C>T on transcript NM_020121.4 (MANE Select); coding-DNA position 4314, C replaced by T.
Protein change: p.Val1438=; no amino-acid change (valine 1438 retained).
Molecular consequence: synonymous variant.
Genome position (GRCh38, 1-based): chr13:95,837,173, G>A on the plus strand (C>T on the coding strand, the complement: UGGT2 is on the minus strand). VCF-style: chr13-95837173-G-A. GRCh37 (hg19) VCF-style: chr13-96489427-G-A.
Identifiers: ClinVar variation 2643878 (VCV002643878.24), dbSNP rs200969841, ClinGen allele CA7021749.